The following is an entry in ClinVar:

NM_014252.4(SLC25A15):c.-69-16T>A

Gene: SLC25A15 (solute carrier family 25 member 15; plus strand). Cytogenetic location: 13q14.11.
Variant type: single nucleotide variant.
Coding change: c.-69-16T>A on transcript NM_014252.4 (MANE Select); 16 bases into the intron before 69 bases upstream of the start codon, T replaced by A.
Molecular consequence: intron variant.
Genome position (GRCh38, 1-based): chr13:40,793,142, T>A. VCF-style: chr13-40793142-T-A. GRCh37 (hg19) VCF-style: chr13-41367278-T-A.
Identifiers: ClinVar variation 387077 (VCV000387077.1), dbSNP rs1057522683, ClinGen allele CA16606861.

ClinVar aggregate classification (germline): Likely benign (1 of 4 stars; one submission).

Allele frequency attached by ClinVar (database versions not stated): gnomAD exomes below 0.00001.
gnomAD v4.1: 3 of 1,393,784 alleles (0.00022%); highest among the groups gnomAD compares: Non-Finnish European, 0.0003%; no homozygotes.

Submission:

GeneDx
Classification: Likely benign. Last evaluated: 2016-06-25. Review status: criteria provided, single submitter. Criteria: GeneDx Variant Classification (06012015). Collection method: clinical testing. Allele origin: germline. Affected: yes.
Comment: This variant is considered likely benign or benign based on one or more of the following criteria: it is a conservative change, it occurs at a poorly conserved position in the protein, it is predicted to be benign by multiple in silico algorithms, and/or has population frequency not consistent with disease.